The following is an entry in ClinVar:

ClinVar aggregate classification (germline): Pathogenic/Likely pathogenic. Review status: criteria provided, multiple submitters, no conflicts (2 of 4 stars). 5 submissions from 5 submitters: Pathogenic (3); Likely pathogenic (2). Last evaluated 2025-09-26.

Conditions:
Retinitis pigmentosa 26 (RP26). Identifiers: Orphanet 791, MedGen C1842127, MONDO:0012024, OMIM 608380.
CERKL-related disorders.

Allele frequency attached by ClinVar (database versions not stated): gnomAD exomes below 0.00001; gnomAD 0.00003; TOPMed 0.00004.

Submissions (5):

Natera, Inc.
Classification: Pathogenic for Retinitis Pigmentosa 26. Last evaluated: 2025-09-26. Review status: criteria provided, single submitter. Criteria: Natera Variant Classification Schema (03/2026). Collection method: clinical testing. Allele origin: germline.
Comment: The c.222delG variant in CERKL is a frameshift variant predicted to shift the reading frame beginning at codon 74 and leads to a stop codon 28 codons downstream. This variant is expected to result in nonsense mediated decay, truncation, or a dysfunctional protein product. This variant is rare in the general population with a frequency below the threshold expected for the associated phenotype(s). This variant has been observed in one or more individuals affected with the associated recessive disease, as either homozygous or compound heterozygous with a second variant (PMID: 36196406). Given the available evidence, this variant is classified as Pathogenic.

Labcorp Genetics (formerly Invitae), Labcorp
Classification: Pathogenic. Last evaluated: 2024-01-25. Review status: criteria provided, single submitter. Criteria: Invitae Variant Classification Sherloc (09022015). Collection method: clinical testing. Allele origin: germline.
Comment: This sequence change creates a premature translational stop signal (p.Gln74Hisfs*28) in the CERKL gene. It is expected to result in an absent or disrupted protein product. Loss-of-function variants in CERKL are known to be pathogenic (PMID: 14681825, 23591405, 24043777). This variant is present in population databases (no rsID available, gnomAD 0.001%). This variant has not been reported in the literature in individuals affected with CERKL-related conditions. ClinVar contains an entry for this variant (Variation ID: 857117). For these reasons, this variant has been classified as Pathogenic.

Fulgent Genetics
Classification: Likely pathogenic for Retinitis pigmentosa 26. Last evaluated: 2024-01-10. Review status: criteria provided, single submitter. Criteria: ACMG Guidelines, 2015. Collection method: clinical testing. Allele origin: germline.

Ocular Genomics Institute, Massachusetts Eye and Ear
Classification: Likely pathogenic for Retinitis pigmentosa 26. Last evaluated: 2021-04-08. Review status: criteria provided, single submitter. Criteria: ACMG Guidelines, 2015. Collection method: research. Allele origin: germline. Affected: yes.
Comment: Through a review of available evidence we were able to apply the following criteria: PVS1, PM2. Based on this evidence we have classified this variant as Likely Pathogenic.

Blueprint Genetics
Classification: Pathogenic for CERKL-related disorders. Last evaluated: 2020-04-28. Review status: criteria provided, single submitter. Criteria: ACMG Guidelines, 2015. Collection method: clinical testing. Allele origin: germline. Affected: yes. Observed: 2 variant alleles.

Literature cited by the submitters: PubMed 36196406 (cited by Natera, Inc.); PubMed 14681825 (cited by Labcorp Genetics (formerly Invitae), Labcorp); PubMed 23591405 (cited by Labcorp Genetics (formerly Invitae), Labcorp); PubMed 24043777 (cited by Labcorp Genetics (formerly Invitae), Labcorp).

NM_201548.5(CERKL):c.222del (p.Gln74fs)

Genes: CERKL (CERK like autophagy regulator; minus strand), LOC129935214 (ATAC-STARR-seq lymphoblastoid silent region 12157; plus strand). Cytogenetic location: 2q31.3.
Variant type: Deletion.
Coding change: c.222del on transcript NM_201548.5 (MANE Select); coding-DNA position 222, one base deleted (G; older notation c.222delG).
Protein change: p.Gln74fs; shifts the reading frame from glutamine 74.
Molecular consequence: frameshift variant. On other transcripts: non-coding transcript variant (2).
Genome position (GRCh38, 1-based): chr2:181,656,785, C deleted on the plus strand (G on the coding strand, the reverse complement: CERKL is on the minus strand). VCF-style (leftmost placement, unchanged base first): chr2-181656784-GC-G. GRCh37 (hg19) VCF-style: chr2-182521511-GC-G.
Other names: c.222del, p.Gln74fs (NM_001030311.3, NM_001030312.3, NM_001030313.3 and 1 more transcripts); c.222delG (NM_001030311.2); short protein forms Q74fs.
Identifiers: ClinVar variation 857117 (VCV000857117.14), dbSNP rs1476585944, ClinGen allele CA538438811.
Genomic context (GRCh38, chr2:181,656,784, plus strand): 5'-AGGAAGCGCGGAGGGAGGCGAAGACGCTTGGGGCCGGGCACTCACCCGCCGGGCGCTCGG[GC>G]TGAATGGGCCGCCACCGCAGTGCTCGCTCGCTCAGCACCACGTCACAACTGTCCCTCCCG-3'